The following is an entry in ClinVar:

ClinVar aggregate classification (germline): Uncertain significance (1 of 4 stars; one submission).

Allele frequency attached by ClinVar (database versions not stated): gnomAD 0.00001; gnomAD exomes 0.00001; TOPMed 0.00002.

Submission:

Labcorp Genetics (formerly Invitae), Labcorp
Classification: Uncertain significance. Last evaluated: 2022-06-30. Review status: criteria provided, single submitter. Criteria: Invitae Variant Classification Sherloc (09022015). Collection method: clinical testing. Allele origin: germline.
Comment: In summary, the available evidence is currently insufficient to determine the role of this variant in disease. Therefore, it has been classified as a Variant of Uncertain Significance. Algorithms developed to predict the effect of missense changes on protein structure and function (SIFT, PolyPhen-2, Align-GVGD) all suggest that this variant is likely to be tolerated. This variant has not been reported in the literature in individuals affected with LEMD3-related conditions. The frequency data for this variant in the population databases is considered unreliable, as metrics indicate poor data quality at this position in the gnomAD database. This sequence change replaces alanine, which is neutral and non-polar, with valine, which is neutral and non-polar, at codon 240 of the LEMD3 protein (p.Ala240Val).

NM_014319.5(LEMD3):c.719C>T (p.Ala240Val)

Gene: LEMD3 (LEM domain containing 3; plus strand). Cytogenetic location: 12q14.3.
Variant type: single nucleotide variant.
Coding change: c.719C>T on transcript NM_014319.5 (MANE Select); coding-DNA position 719, C replaced by T.
Protein change: p.Ala240Val; replaces alanine 240 with valine.
Molecular consequence: missense variant.
Genome position (GRCh38, 1-based): chr12:65,170,315, C>T. VCF-style: chr12-65170315-C-T. GRCh37 (hg19) VCF-style: chr12-65564095-C-T.
Other names: c.719C>T, p.Ala240Val (NM_001167614.2); short protein forms A240V.
Identifiers: ClinVar variation 1958965 (VCV001958965.5), dbSNP rs902817912, ClinGen allele CA238907716.